The following is an entry in ClinVar:

ClinVar aggregate classification (germline): Uncertain significance (1 of 4 stars; one submission).

Submission:

Labcorp Genetics (formerly Invitae), Labcorp
Classification: Uncertain significance. Last evaluated: 2022-06-07. Review status: criteria provided, single submitter. Criteria: Invitae Variant Classification Sherloc (09022015). Collection method: clinical testing. Allele origin: germline.
Comment: In summary, the available evidence is currently insufficient to determine the role of this variant in disease. Therefore, it has been classified as a Variant of Uncertain Significance. This variant has not been reported in the literature in individuals affected with AP3B2-related conditions. This variant is not present in population databases (gnomAD no frequency). This sequence change replaces alanine, which is neutral and non-polar, with proline, which is neutral and non-polar, at codon 343 of the AP3B2 protein (p.Ala343Pro). Algorithms developed to predict the effect of missense changes on protein structure and function are either unavailable or do not agree on the potential impact of this missense change (SIFT: "Deleterious"; PolyPhen-2: "Benign"; Align-GVGD: "Class C25").

NM_001278512.2(AP3B2):c.1027G>C (p.Ala343Pro)

Genes: AP3B2 (adaptor related protein complex 3 subunit beta 2; minus strand), CPEB1-AS1 (CPEB1 antisense RNA 1; plus strand). Cytogenetic location: 15q25.2.
Variant type: single nucleotide variant.
Coding change: c.1027G>C on transcript NM_001278512.2 (MANE Select); coding-DNA position 1027, G replaced by C.
Protein change: p.Ala343Pro; replaces alanine 343 with proline.
Molecular consequence: missense variant.
Genome position (GRCh38, 1-based): chr15:82,680,500, C>G on the plus strand (G>C on the coding strand, the complement: AP3B2 is on the minus strand). VCF-style: chr15-82680500-C-G. GRCh37 (hg19) VCF-style: chr15-83349252-C-G.
Other names: c.931G>C, p.Ala311Pro (NM_001278511.2); c.1027G>C, p.Ala343Pro (NM_004644.5); short protein forms A311P, A343P.
Identifiers: ClinVar variation 2002933 (VCV002002933.4), dbSNP rs2548711255, ClinGen allele CA393318547.